The following is an entry in ClinVar:

NM_001130965.3(SUN1):c.1220_1263+16del

Gene: SUN1 (Sad1 and UNC84 domain containing 1; plus strand). Cytogenetic location: 7p22.3.
Variant type: Deletion.
Coding change: c.1220_1263+16del on transcript NM_001130965.3 (MANE Select); coding-DNA position 1220 through 16 bases into the intron after coding-DNA position 1263, 60 bases deleted.
Molecular consequence: splice donor variant.
Genome position (GRCh38, 1-based): chr7:853,575-853,634, 60 bases deleted. GRCh37 (hg19): chr7:893,212-893,271.
Other names: c.1220_1263+16del (NM_001367634.1, NM_001367633.1, NM_001367653.1); c.1634_1677+16del (NM_001367651.1); c.1247_1290+16del (NM_001367669.1); c.1613_1656+16del (NM_001367705.1, NM_001367703.1); c.1610_1653+16del (NM_001367678.1, NM_001367699.1, NM_001367687.1); c.1511_1554+16del (NM_001367690.1); c.1502_1545+16del (NM_001367641.1, NM_001367682.1); c.1499_1542+16del (NM_001367698.1); and 44 more.
Identifiers: ClinVar variation 1393615 (VCV001393615.6), dbSNP rs2128401073, ClinGen allele CA2573141917.

ClinVar aggregate classification (germline): Uncertain significance (1 of 4 stars; one submission).

Conditions:
Emery-Dreifuss muscular dystrophy (EDMD). Also called: Scapuloperoneal syndrome, X-linked (formerly); Humeroperoneal neuromuscular disease, (formerly). Identifiers: Orphanet 261, MedGen C0410189, MONDO:0016830.

Submission:

Labcorp Genetics (formerly Invitae), Labcorp
Classification: Uncertain significance for Emery-Dreifuss muscular dystrophy. Last evaluated: 2022-06-05. Review status: criteria provided, single submitter. Criteria: Invitae Variant Classification Sherloc (09022015). Collection method: clinical testing. Allele origin: germline.
Comment: This variant results in the deletion of part of exon 10 (c.1220_1263+16del) of the SUN1 gene. It is expected to disrupt RNA splicing. Variants that disrupt the donor or acceptor splice site typically lead to a loss of protein function (PMID: 16199547), however the current clinical and genetic evidence is not sufficient to establish whether loss-of-function variants in SUN1 cause disease. This variant is not present in population databases (gnomAD no frequency). This variant has not been reported in the literature in individuals affected with SUN1-related conditions. ClinVar contains an entry for this variant (Variation ID: 1393615). Algorithms developed to predict the effect of sequence changes on RNA splicing suggest that this variant may disrupt the consensus splice site. In summary, the available evidence is currently insufficient to determine the role of this variant in disease. Therefore, it has been classified as a Variant of Uncertain Significance.

Literature cited by the submitters: PubMed 16199547.